The following is an entry in ClinVar:

NM_001303457.2(TTI1):c.2170C>G (p.Arg724Gly)

Gene: TTI1 (TELO2 interacting protein 1; minus strand). Cytogenetic location: 20q11.23.
Variant type: single nucleotide variant.
Coding change: c.2170C>G on transcript NM_001303457.2 (MANE Select); coding-DNA position 2170, C replaced by G.
Protein change: p.Arg724Gly; replaces arginine 724 with glycine.
Molecular consequence: missense variant.
Genome position (GRCh38, 1-based): chr20:38,011,647, G>C on the plus strand (C>G on the coding strand, the complement: TTI1 is on the minus strand). VCF-style: chr20-38011647-G-C. GRCh37 (hg19) VCF-style: chr20-36640049-G-C.
Other names: c.2170C>G, p.Arg724Gly (NM_014657.3); c.2170C>G (NM_014657.1); short protein forms R724G.
Identifiers: ClinVar variation 3370585 (VCV003370585.2).

ClinVar aggregate classification (germline): Uncertain significance. Review status: criteria provided, multiple submitters, no conflicts (2 of 4 stars). 2 submissions from 2 submitters: Uncertain significance (2). Last evaluated 2024-08-12.

Conditions:
Inborn genetic diseases. Identifiers: MedGen C0950123, MeSH D030342.

gnomAD v4.1: 29 of 1,614,218 alleles (0.0018%); highest among the groups gnomAD compares: South Asian, 0.026%; 1 homozygote.

Submissions (2):

Ambry Genetics
Classification: Uncertain significance for Inborn genetic diseases. Last evaluated: 2024-08-12. Review status: criteria provided, single submitter. Criteria: Ambry Variant Classification Scheme 2023. Collection method: clinical testing. Allele origin: germline.

GeneDx
Classification: Uncertain significance. Last evaluated: 2024-03-06. Review status: criteria provided, single submitter. Criteria: GeneDx Variant Classification Process June 2021. Collection method: clinical testing. Allele origin: germline. Affected: yes.
Comment: In silico analysis supports that this missense variant has a deleterious effect on protein structure/function; Has not been previously published as pathogenic or benign to our knowledge